The following is an entry in ClinVar:

ClinVar aggregate classification (germline): Uncertain significance (1 of 4 stars; one submission).

Submission:

GeneDx
Classification: Uncertain significance. Last evaluated: 2024-10-08. Review status: criteria provided, single submitter. Criteria: GeneDx Variant Classification Process June 2021. Collection method: clinical testing. Allele origin: germline. Affected: yes.
Comment: Not observed at significant frequency in large population cohorts (gnomAD); In silico analysis supports that this missense variant has a deleterious effect on protein structure/function; Has not been previously published as pathogenic or benign to our knowledge

NM_015602.4(TOR1AIP1):c.1670T>C (p.Leu557Pro)

Gene: TOR1AIP1 (torsin 1A interacting protein 1; plus strand). Cytogenetic location: 1q25.2.
Variant type: single nucleotide variant.
Coding change: c.1670T>C on transcript NM_015602.4 (MANE Select); coding-DNA position 1670, T replaced by C.
Protein change: p.Leu557Pro; replaces leucine 557 with proline.
Molecular consequence: missense variant.
Genome position (GRCh38, 1-based): chr1:179,918,157, T>C. VCF-style: chr1-179918157-T-C. GRCh37 (hg19) VCF-style: chr1-179887292-T-C.
Other names: c.1673T>C, p.Leu558Pro (NM_001267578.2); short protein forms L557P, L558P.
Identifiers: ClinVar variation 3777546 (VCV003777546.1).
Genomic context (GRCh38, chr1:179,918,157, plus strand): 5'-AAGTCAAGTTCACCAATTCTAACACACCCAACTCCTACAATCATATGGACCCAGACAAAC[T>C]GAATGGCCTCTGGAGCCGTATTTCTCACTTAGTTCTGCCTGTGCAACCTGAAAATGCCCT-3'
Protein context (NP_056417.2, residues 547-567): NSYNHMDPDK[Leu557Pro]NGLWSRISHL